The following is an entry in ClinVar:

NM_002292.4(LAMB2):c.3645G>A (p.Ala1215=)

Gene: LAMB2 (laminin subunit beta 2; minus strand). Cytogenetic location: 3p21.31.
Variant type: single nucleotide variant.
Coding change: c.3645G>A on transcript NM_002292.4 (MANE Select); coding-DNA position 3645, G replaced by A.
Protein change: p.Ala1215=; no amino-acid change (alanine 1215 retained).
Molecular consequence: synonymous variant.
Genome position (GRCh38, 1-based): chr3:49,123,880, C>T on the plus strand (G>A on the coding strand, the complement: LAMB2 is on the minus strand). VCF-style: chr3-49123880-C-T. GRCh37 (hg19) VCF-style: chr3-49161313-C-T.
Other names: p.Ala1215=.
Identifiers: ClinVar variation 539743 (VCV000539743.45), dbSNP rs13082063, ClinGen allele CA2393992.

ClinVar aggregate classification (germline): Conflicting classifications of pathogenicity. Review status: criteria provided, conflicting classifications (1 of 4 stars). 11 submissions from 10 submitters: Uncertain significance (2); Benign (2); Likely benign (5). 2 of the submissions do not count toward it. Last evaluated 2026-06-01.

Conditions:
Focal segmental glomerulosclerosis (FSGS). Also called: Glomerulosclerosis, focal; Focal sclerosis with hyalinosis. Identifiers: MedGen C0017668, MONDO:0100313, HP:0000097. Disease mechanism: loss of function.
LAMB2-related infantile-onset nephrotic syndrome. Also called: NEPHROTIC SYNDROME, TYPE 5, WITHOUT OCULAR ABNORMALITIES; NEPHROTIC SYNDROME, TYPE 5, WITH OCULAR ABNORMALITIES; Nephrotic Syndrome, type 5. Identifiers: Orphanet 306507, MedGen C3280113, MONDO:0013621, OMIM 614199.
Pierson syndrome. Also called: MICROCORIA-CONGENITAL NEPHROTIC SYNDROME. Identifiers: Orphanet 2670, MedGen C1836876, MONDO:0012184, OMIM 609049.

Allele frequency attached by ClinVar (database versions not stated): 1000 Genomes Project 0.00040; 1000 Genomes Project 30x 0.00047; gnomAD 0.00136 and 0.00137; TOPMed 0.00146; ExAC 0.00147; ESP Exome Variant Server 0.00161; gnomAD exomes 0.00169 and 0.00199.
gnomAD v4.1: 3,105 of 1,613,406 alleles (0.19%); highest among the groups gnomAD compares: Non-Finnish European, 0.22%; 6 homozygotes.

Submissions (11):

CeGaT Center for Human Genetics Tuebingen
Classification: Likely benign. Last evaluated: 2026-06-01. Review status: criteria provided, single submitter. Criteria: CeGaT Center For Human Genetics Tuebingen Variant Classification Criteria Version 2. Collection method: clinical testing. Allele origin: germline. Affected: yes. Observed: 4 variant alleles.
Comment: LAMB2: BP4, BP7

Women's Health and Genetics/Laboratory Corporation of America, LabCorp
Classification: Likely benign. Last evaluated: 2026-02-23. Review status: criteria provided, single submitter. Criteria: LabCorp Variant Classification Summary - May 2015. Collection method: clinical testing. Allele origin: germline.

Labcorp Genetics (formerly Invitae), Labcorp
Classification: Benign for LAMB2-related infantile-onset nephrotic syndrome; Pierson syndrome. Last evaluated: 2026-01-23. Review status: criteria provided, single submitter. Criteria: Invitae Variant Classification Sherloc (09022015). Collection method: clinical testing. Allele origin: germline.

Blueprint Genetics
Classification: Likely benign. Last evaluated: 2024-11-21. Review status: criteria provided, single submitter. Criteria: ACMG Guidelines, 2015. Collection method: clinical testing. Allele origin: germline.

Mayo Clinic Laboratories, Mayo Clinic
Classification: Benign. Last evaluated: 2024-02-13. Review status: criteria provided, single submitter. Criteria: ACMG Guidelines, 2015. Collection method: clinical testing. Allele origin: germline. Observed: 2 variant alleles.
Comment: BS1, BS2, BP4, BP7

GeneDx
Classification: Likely benign. Last evaluated: 2021-03-12. Review status: criteria provided, single submitter. Criteria: GeneDx Variant Classification Process June 2021. Collection method: clinical testing. Allele origin: germline. Affected: yes.
Comment: This variant is associated with the following publications: (PMID: 20556798)

Genome Diagnostics Laboratory, The Hospital for Sick Children
Classification: Likely benign for Focal segmental glomerulosclerosis. Last evaluated: 2019-10-01. Review status: criteria provided, single submitter. Criteria: ACMG Guidelines, 2015. Collection method: clinical testing. Allele origin: germline.

Illumina Laboratory Services, Illumina
Classification: Uncertain significance for LAMB2-related infantile-onset nephrotic syndrome. Last evaluated: 2018-01-12. Review status: criteria provided, single submitter. Criteria: ICSL Variant Classification Criteria 13 December 2019. Collection method: clinical testing. Allele origin: germline.

Illumina Laboratory Services, Illumina
Classification: Uncertain significance for Pierson syndrome. Last evaluated: 2018-01-12. Review status: criteria provided, single submitter. Criteria: ICSL Variant Classification Criteria 13 December 2019. Collection method: clinical testing. Allele origin: germline.

Clinical Genetics DNA and cytogenetics Diagnostics Lab, Erasmus MC, Erasmus Medical Center
Classification: Likely benign. Review status: no assertion criteria provided. Collection method: clinical testing. Allele origin: germline. Affected: yes. Study: VKGL Data-share Consensus. Not counted in ClinVar's aggregate classification.

Genome Diagnostics Laboratory, University Medical Center Utrecht
Classification: Likely benign. Review status: no assertion criteria provided. Collection method: clinical testing. Allele origin: germline. Affected: yes. Study: VKGL Data-share Consensus. Not counted in ClinVar's aggregate classification.